The following is an entry in ClinVar:

NM_017636.4(TRPM4):c.3637A>G (p.Lys1213Glu)

Gene: TRPM4 (transient receptor potential cation channel subfamily M member 4; plus strand). Cytogenetic location: 19q13.33.
Variant type: single nucleotide variant.
Coding change: c.3637A>G on transcript NM_017636.4 (MANE Select); coding-DNA position 3637, A replaced by G.
Protein change: p.Lys1213Glu; replaces lysine 1213 with glutamic acid.
Molecular consequence: missense variant.
Genome position (GRCh38, 1-based): chr19:49,211,266, A>G. VCF-style: chr19-49211266-A-G. GRCh37 (hg19) VCF-style: chr19-49714523-A-G.
Other names: c.3202A>G, p.Lys1068Glu (NM_001195227.2); c.3292A>G, p.Lys1098Glu (NM_001321281.2); c.2029A>G, p.Lys677Glu (NM_001321282.2); c.3115A>G, p.Lys1039Glu (NM_001321283.2); c.2575A>G, p.Lys859Glu (NM_001321285.2); short protein forms K1098E, K859E, K1039E, K1068E, K1213E, K677E.
Identifiers: ClinVar variation 3329250 (VCV003329250.2).

ClinVar aggregate classification (germline): Uncertain significance. Review status: criteria provided, multiple submitters, no conflicts (2 of 4 stars). 2 submissions from 2 submitters: Uncertain significance (2). Last evaluated 2025-12-24.

Conditions:
Cardiovascular phenotype. Identifiers: MedGen CN230736.
Progressive familial heart block type IB (PFHB1B). Identifiers: Orphanet 871, MedGen C1970298, MONDO:0011474, OMIM 604559.

gnomAD v4.1: 10 of 1,581,968 alleles (0.00063%); highest among the groups gnomAD compares: South Asian, 0.0046%; no homozygotes.

Submissions (2):

Labcorp Genetics (formerly Invitae), Labcorp
Classification: Uncertain significance for Progressive familial heart block type IB. Last evaluated: 2025-12-24. Review status: criteria provided, single submitter. Criteria: Invitae Variant Classification Sherloc (09022015). Collection method: clinical testing. Allele origin: germline.
Comment: This sequence change replaces lysine, which is basic and polar, with glutamic acid, which is acidic and polar, at codon 1213 of the TRPM4 protein (p.Lys1213Glu). The frequency data for this variant in the population databases is considered unreliable, as metrics indicate poor data quality at this position in the gnomAD database. This variant has not been reported in the literature in individuals affected with TRPM4-related conditions. ClinVar contains an entry for this variant (Variation ID: 3329250). An algorithm developed to predict the effect of missense changes on protein structure and function (PolyPhen-2) suggests that this variant is likely to be tolerated. In summary, the available evidence is currently insufficient to determine the role of this variant in disease. Therefore, it has been classified as a Variant of Uncertain Significance.

Ambry Genetics
Classification: Uncertain significance for Cardiovascular phenotype. Last evaluated: 2024-05-24. Review status: criteria provided, single submitter. Criteria: Ambry Variant Classification Scheme 2023. Collection method: clinical testing. Allele origin: germline.
Comment: The p.K1213E variant (also known as c.3637A>G), located in coding exon 24 of the TRPM4 gene, results from an A to G substitution at nucleotide position 3637. The lysine at codon 1213 is replaced by glutamic acid, an amino acid with similar properties. This amino acid position is conserved. In addition, this alteration is predicted to be tolerated by in silico analysis. Based on the available evidence, the clinical significance of this variant remains unclear.